The following is an entry in ClinVar:

ClinVar aggregate classification (germline): Uncertain significance (1 of 4 stars; one submission).

Conditions:
Generalized epilepsy-paroxysmal dyskinesia syndrome (PNKD3). Also called: Generalized epilepsy and paroxysmal dyskinesia; Paroxysmal nonkinesigenic dyskinesia, 3, with or without generalized epilepsy. Identifiers: Orphanet 79137, MedGen C5574945, MONDO:0012276, OMIM 609446.

Submission:

Labcorp Genetics (formerly Invitae), Labcorp
Classification: Uncertain significance for Generalized epilepsy-paroxysmal dyskinesia syndrome. Last evaluated: 2024-12-26. Review status: criteria provided, single submitter. Criteria: Invitae Variant Classification Sherloc (09022015). Collection method: clinical testing. Allele origin: germline.
Comment: This variant, c.27_56dup, results in the insertion of 10 amino acid(s) of the KCNMA1 protein (p.Gly13_Ser22dup), but otherwise preserves the integrity of the reading frame. This variant is not present in population databases (gnomAD no frequency). This variant has not been reported in the literature in individuals affected with KCNMA1-related conditions. ClinVar contains an entry for this variant (Variation ID: 2895130). Experimental studies and prediction algorithms are not available or were not evaluated, and the functional significance of this variant is currently unknown. In summary, the available evidence is currently insufficient to determine the role of this variant in disease. Therefore, it has been classified as a Variant of Uncertain Significance.

NM_001161352.2(KCNMA1):c.27_56dup (p.Ser22_Leu23insGlyGlyGlyGlyGlyGlyGlyGlySerSer)

Gene: KCNMA1 (potassium calcium-activated channel subfamily M alpha 1; minus strand). Cytogenetic location: 10q22.3.
Variant type: Duplication.
Coding change: c.27_56dup on transcript NM_001161352.2 (MANE Select); coding-DNA positions 27 to 56, 30 bases duplicated (CGGCAGCAGCGGCGGCGGCGGCGGCGGCGG).
Protein change: p.Ser22_Leu23insGlyGlyGlyGlyGlyGlyGlyGlySerSer.
Molecular consequence: inframe insertion.
Genome position (GRCh38, 1-based): chr10:77,637,587-77,637,616, CCGCCGCCGCCGCCGCCGCCGCTGCTGCCG duplicated on the plus strand (CGGCAGCAGCGGCGGCGGCGGCGGCGGCGG on the coding strand, the reverse complement: KCNMA1 is on the minus strand); duplicating any 30 consecutive bases within chr10:77,637,587-77,637,630 gives the same sequence; the c. name uses the placement nearest the transcript's 3' end. VCF-style (leftmost placement, unchanged base first): chr10-77637586-T-TCCGCCGCCGCCGCCGCCGCCGCTGCTGCCG. GRCh37 (hg19) VCF-style: chr10-79397344-T-TCCGCCGCCGCCGCCGCCGCCGCTGCTGCCG.
Other names: c.27_56dup, p.Ser22_Leu23insGlyGlyGlyGlyGlyGlyGlyGlySerSer (NM_001014797.3, NM_001161353.2, NM_001271518.2 and 13 more transcripts).
Identifiers: ClinVar variation 2895130 (VCV002895130.3), dbSNP rs1163075445, ClinGen allele CA2609816420.